The following is an entry in ClinVar:

NM_152722.5(HEPACAM):c.*338C>A

Gene: HEPACAM (hepatic and glial cell adhesion molecule; minus strand). Cytogenetic location: 11q24.2.
Variant type: single nucleotide variant.
Coding change: c.*338C>A on transcript NM_152722.5 (MANE Select); 338 bases downstream of the stop codon, C replaced by A.
Molecular consequence: 3 prime UTR variant.
Genome position (GRCh38, 1-based): chr11:124,920,800, G>T on the plus strand (C>A on the coding strand, the complement: HEPACAM is on the minus strand). VCF-style: chr11-124920800-G-T. GRCh37 (hg19) VCF-style: chr11-124790696-G-T.
Identifiers: ClinVar variation 303313 (VCV000303313.6), dbSNP rs75988347, ClinGen allele CA10630299.

ClinVar aggregate classification (germline): Benign. Review status: criteria provided, multiple submitters, no conflicts (2 of 4 stars). 2 submissions from 2 submitters: Benign (2). Last evaluated 2018-01-12.

Conditions:
Megalencephalic leukoencephalopathy with subcortical cysts. Also called: VAN DER KNAAP DISEASE. Identifiers: Orphanet 2478, MedGen C1858854, MONDO:0011391.

Allele frequency attached by ClinVar (database versions not stated): gnomAD 0.06504 and 0.06545; gnomAD exomes 0.09065; TOPMed 0.06109; 1000 Genomes Project 30x 0.04841; 1000 Genomes Project 0.05032.
gnomAD v4.1: 97,641 of 1,120,826 alleles (8.7%); highest among the groups gnomAD compares: Non-Finnish European, 9.5%; 4,677 homozygotes.

Submissions (2):

Illumina Laboratory Services, Illumina
Classification: Benign for Megalencephalic leukoencephalopathy with subcortical cysts. Last evaluated: 2018-01-12. Review status: criteria provided, single submitter. Criteria: ICSL Variant Classification Criteria 13 December 2019. Collection method: clinical testing. Allele origin: germline.
Comment: This variant was observed in the ICSL laboratory as part of a predisposition screen in an ostensibly healthy population. It had not been previously curated by ICSL or reported in the Human Gene Mutation Database (HGMD: prior to June 1st, 2018), and was therefore a candidate for classification through an automated scoring system. Utilizing variant allele frequency, disease prevalence and penetrance estimates, and inheritance mode, an automated score was calculated to assess if this variant is too frequent to cause the disease. Based on the score and internal cut-off values, a variant classified as benign is not then subjected to further curation. The score for this variant resulted in a classification of benign for this disease.

Breakthrough Genomics
Classification: Benign. Review status: criteria provided, single submitter. Criteria: ACMG Guidelines, 2015. Collection method: not provided. Allele origin: germline. Inheritance: Autosomal recessive inheritance. Affected: yes.